The following is an entry in ClinVar:

NM_000090.4(COL3A1):c.4001G>T (p.Gly1334Val)

Gene: COL3A1 (collagen type III alpha 1 chain; plus strand). Cytogenetic location: 2q32.2.
Variant type: single nucleotide variant.
Coding change: c.4001G>T on transcript NM_000090.4 (MANE Select); coding-DNA position 4001, G replaced by T.
Protein change: p.Gly1334Val; replaces glycine 1334 with valine.
Molecular consequence: missense variant.
Genome position (GRCh38, 1-based): chr2:189,010,355, G>T. VCF-style: chr2-189010355-G-T. GRCh37 (hg19) VCF-style: chr2-189875081-G-T.
Other names: short protein forms G1334V.
Identifiers: ClinVar variation 2810201 (VCV002810201.3), dbSNP rs2469169287, ClinGen allele CA349848935.

ClinVar aggregate classification (germline): Uncertain significance (1 of 4 stars; one submission).

Conditions:
Ehlers-Danlos syndrome, type 4 (EDSVASC). Also called: Ehlers-Danlos Syndrome Type IV; Ehlers-Danlos syndrome vascular type; Ehlers Danlos syndrome, ecchymotic type; Ehlers Danlos syndrome, arterial type; Ehlers Danlos syndrome, Sack-Barabas type. Identifiers: Orphanet 286, MedGen C0268338, MONDO:0017314, OMIM 130050.

Submission:

Labcorp Genetics (formerly Invitae), Labcorp
Classification: Uncertain significance for Ehlers-Danlos syndrome, type 4. Last evaluated: 2022-12-11. Review status: criteria provided, single submitter. Criteria: Invitae Variant Classification Sherloc (09022015). Collection method: clinical testing. Allele origin: germline.
Comment: Advanced modeling of protein sequence and biophysical properties (such as structural, functional, and spatial information, amino acid conservation, physicochemical variation, residue mobility, and thermodynamic stability) has been performed at Invitae for this missense variant, however the output from this modeling did not meet the statistical confidence thresholds required to predict the impact of this variant on COL3A1 protein function. This variant has not been reported in the literature in individuals affected with COL3A1-related conditions. This variant is not present in population databases (gnomAD no frequency). This sequence change replaces glycine, which is neutral and non-polar, with valine, which is neutral and non-polar, at codon 1334 of the COL3A1 protein (p.Gly1334Val). In summary, the available evidence is currently insufficient to determine the role of this variant in disease. Therefore, it has been classified as a Variant of Uncertain Significance.